The following is an entry in ClinVar:

ClinVar aggregate classification (germline): Uncertain significance (1 of 4 stars; one submission).

Conditions:
Familial cold autoinflammatory syndrome 2 (FCAS2). Identifiers: Orphanet 247868, MedGen C2673198, MONDO:0012724, OMIM 611762.

Submission:

Labcorp Genetics (formerly Invitae), Labcorp
Classification: Uncertain significance for Familial cold autoinflammatory syndrome 2. Last evaluated: 2024-12-18. Review status: criteria provided, single submitter. Criteria: Invitae Variant Classification Sherloc (09022015). Collection method: clinical testing. Allele origin: germline.
Comment: This sequence change replaces asparagine, which is neutral and polar, with lysine, which is basic and polar, at codon 989 of the NLRP12 protein (p.Asn989Lys). This variant is not present in population databases (gnomAD no frequency). This variant has not been reported in the literature in individuals affected with NLRP12-related conditions. Experimental studies and prediction algorithms are not available or were not evaluated, and the functional significance of this variant is currently unknown. In summary, the available evidence is currently insufficient to determine the role of this variant in disease. Therefore, it has been classified as a Variant of Uncertain Significance.

NM_144687.4(NLRP12):c.2967T>A (p.Asn989Lys)

Gene: NLRP12 (NLR family pyrin domain containing 12; minus strand). Cytogenetic location: 19q13.42.
Variant type: single nucleotide variant.
Coding change: c.2967T>A on transcript NM_144687.4 (MANE Select); coding-DNA position 2967, T replaced by A.
Protein change: p.Asn989Lys; replaces asparagine 989 with lysine.
Molecular consequence: missense variant.
Genome position (GRCh38, 1-based): chr19:53,795,990, A>T on the plus strand (T>A on the coding strand, the complement: NLRP12 is on the minus strand). VCF-style: chr19-53795990-A-T. GRCh37 (hg19) VCF-style: chr19-54299244-A-T.
Other names: c.2970T>A, p.Asn990Lys (NM_001277126.2); c.2796T>A, p.Asn932Lys (NM_001277129.1); short protein forms N932K, N990K, N989K.
Identifiers: ClinVar variation 3727190 (VCV003727190.2).